The following is an entry in ClinVar:

ClinVar aggregate classification (germline): Uncertain significance (1 of 4 stars; one submission).

Conditions:
Cardiovascular phenotype. Identifiers: MedGen CN230736.

gnomAD v4.1: 2 of 1,614,138 alleles (0.00012%); highest among the groups gnomAD compares: African/African-American, 0.0013%; no homozygotes.

Submission:

Ambry Genetics
Classification: Uncertain significance for Cardiovascular phenotype. Last evaluated: 2025-05-03. Review status: criteria provided, single submitter. Criteria: Ambry Variant Classification Scheme 2023. Collection method: clinical testing. Allele origin: germline.
Comment: The p.P1188T variant (also known as c.3562C>A), located in coding exon 17 of the MYPN gene, results from a C to A substitution at nucleotide position 3562. The proline at codon 1188 is replaced by threonine, an amino acid with highly similar properties. This amino acid position is conserved. In addition, the in silico prediction for this alteration is inconclusive. Based on the available evidence, the clinical significance of this variant remains unclear.

NM_032578.4(MYPN):c.3562C>A (p.Pro1188Thr)

Gene: MYPN (myopalladin; plus strand). Cytogenetic location: 10q21.3.
Variant type: single nucleotide variant.
Coding change: c.3562C>A on transcript NM_032578.4 (MANE Select); coding-DNA position 3562, C replaced by A.
Protein change: p.Pro1188Thr; replaces proline 1188 with threonine.
Molecular consequence: missense variant. On other transcripts: non-coding transcript variant (2).
Genome position (GRCh38, 1-based): chr10:68,201,897, C>A. VCF-style: chr10-68201897-C-A. GRCh37 (hg19) VCF-style: chr10-69961654-C-A.
Other names: c.3562C>A, p.Pro1188Thr (NM_001256267.2); c.2680C>A, p.Pro894Thr (NM_001256268.2); short protein forms P894T, P1188T.
Identifiers: ClinVar variation 3916691 (VCV003916691.1).